The following is an entry in ClinVar:

ClinVar aggregate classification (germline): Uncertain significance. Review status: criteria provided, multiple submitters, no conflicts (2 of 4 stars). 5 submissions from 5 submitters: Uncertain significance (5). Last evaluated 2026-02-06.

Conditions:
COL1A1-related disorder. Also called: COL1A1- related disease; COL1A1-related condition.
Cardiovascular phenotype. Identifiers: MedGen CN230736.
Osteogenesis imperfecta type I (OI1). Also called: OI, TYPE I; OSTEOGENESIS IMPERFECTA TARDA; OSTEOGENESIS IMPERFECTA WITH BLUE SCLERAE; Classic Non-deforming Osteogenesis Imperfecta with Blue Sclerae; Osteogenesis imperfecta type 1; Lobstein's Disease. Identifiers: Orphanet 216796, Orphanet 666, MedGen C0023931, MONDO:0008146, OMIM 166200. Disease mechanism: loss of function.

Allele frequency attached by ClinVar (database versions not stated): gnomAD exomes 0.00001; ExAC 0.00002.

Submissions (5):

Women's Health and Genetics/Laboratory Corporation of America, LabCorp
Classification: Uncertain significance. Last evaluated: 2026-02-06. Review status: criteria provided, single submitter. Criteria: LabCorp Variant Classification Summary - May 2015. Collection method: clinical testing. Allele origin: germline.
Comment: Variant summary: COL1A1 c.2387G>A (p.Arg796His) results in a non-conservative amino acid change in the encoded protein sequence. Algorithms developed to predict the effect of missense changes on protein structure and function all suggest that this variant is likely to be disruptive. The variant allele was found at a frequency of 8e-06 in 249782 control chromosomes (gnomAD). The available data on variant occurrences in the general population are insufficient to allow any conclusion about variant significance. c.2387G>A has been observed in an infant affected with hypotonia, joint laxity, blue sclerae, and bilateral inguinal hernias (e.g. Cabral_2007). These reports do not provide unequivocal conclusions about association of the variant with Osteogenesis imperfecta type I. To our knowledge, no experimental evidence demonstrating an impact on protein function has been reported. The following publications have been ascertained in the context of this evaluation (PMID: 17211858, 17206620). ClinVar contains an entry for this variant (Variation ID: 575940). Based on the evidence outlined above, the variant was classified as uncertain significance.

GeneDx
Classification: Uncertain significance. Last evaluated: 2025-12-30. Review status: criteria provided, single submitter. Criteria: GeneDx Variant Classification Process June 2021. Collection method: clinical testing. Allele origin: germline.
Comment: Not observed at significant frequency in large population cohorts (gnomAD); In silico analysis supports that this missense variant has a deleterious effect on protein structure/function; Reported in an infant with joint laxity in published literature (PMID: 17206620); Occurs in the triple helical domain at the Y position in the canonical Gly-X-Y repeat; although this variant may have an effect on normal protein folding and function, missense substitution at the Y position is not a common mechanism of disease (HGMD); This variant is associated with the following publications: (PMID: 17206620, 17211858)

Labcorp Genetics (formerly Invitae), Labcorp
Classification: Uncertain significance for Osteogenesis imperfecta type I. Last evaluated: 2025-07-23. Review status: criteria provided, single submitter. Criteria: Invitae Variant Classification Sherloc (09022015). Collection method: clinical testing. Allele origin: germline.
Comment: This sequence change replaces arginine, which is basic and polar, with histidine, which is basic and polar, at codon 796 of the COL1A1 protein (p.Arg796His). This variant is present in population databases (rs72651662, gnomAD 0.003%). This missense change has been observed in individual(s) with clinical features of COL1A1-related conditions (PMID: 17206620). ClinVar contains an entry for this variant (Variation ID: 575940). Invitae Evidence Modeling of protein sequence and biophysical properties (such as structural, functional, and spatial information, amino acid conservation, physicochemical variation, residue mobility, and thermodynamic stability) indicates that this missense variant is expected to disrupt COL1A1 protein function with a positive predictive value of 95%. In summary, the available evidence is currently insufficient to determine the role of this variant in disease. Therefore, it has been classified as a Variant of Uncertain Significance.

Ambry Genetics
Classification: Uncertain significance for Cardiovascular phenotype. Last evaluated: 2024-11-09. Review status: criteria provided, single submitter. Criteria: Ambry Variant Classification Scheme 2023. Collection method: clinical testing. Allele origin: germline.
Comment: The p.R796H variant (also known as c.2387G>A), located in coding exon 34 of the COL1A1 gene, results from a G to A substitution at nucleotide position 2387. The arginine at codon 796 is replaced by histidine, an amino acid with highly similar properties. This variant has been reported in subjects with features of COL1A1- related disease (Malfait F et al. Hum Mutat, 2007 Apr;28:387-95; Cabral WA et al. Hum Mutat, 2007 Apr;28:396-405). This amino acid position is highly conserved in available vertebrate species. In addition, this alteration is predicted to be deleterious by in silico analysis. Based on the available evidence, the clinical significance of this variant remains unclear.

PreventionGenetics, part of Exact Sciences
Classification: Uncertain significance for COL1A1-related condition. Last evaluated: 2023-09-20. Review status: criteria provided, single submitter. Criteria: ACMG Guidelines, 2015. Collection method: clinical testing. Allele origin: germline.
Comment: The COL1A1 c.2387G>A variant is predicted to result in the amino acid substitution p.Arg796His. To our knowledge, this variant has not been reported in the literature. This variant is reported in 0.0033% of alleles in individuals of South Asian descent in gnomAD. At this time, the clinical significance of this variant is uncertain due to the absence of conclusive functional and genetic evidence.

Literature cited by the submitters: PubMed 17211858 (cited by Women's Health and Genetics/Laboratory Corporation of America, LabCorp and Ambry Genetics); PubMed 17206620 (cited by 3 submitters).

NM_000088.4(COL1A1):c.2387G>A (p.Arg796His)

Gene: COL1A1 (collagen type I alpha 1 chain; minus strand). Cytogenetic location: 17q21.33.
Variant type: single nucleotide variant.
Coding change: c.2387G>A on transcript NM_000088.4 (MANE Select); coding-DNA position 2387, G replaced by A.
Protein change: p.Arg796His; replaces arginine 796 with histidine.
Molecular consequence: missense variant.
Genome position (GRCh38, 1-based): chr17:50,190,553, C>T on the plus strand (G>A on the coding strand, the complement: COL1A1 is on the minus strand). VCF-style: chr17-50190553-C-T. GRCh37 (hg19) VCF-style: chr17-48267914-C-T.
Other names: short protein forms R796H.
Identifiers: ClinVar variation 575940 (VCV000575940.12), dbSNP rs72651662, ClinGen allele CA8644842.